The following is an entry in ClinVar:

ClinVar aggregate classification (germline): Conflicting classifications of pathogenicity. Review status: criteria provided, conflicting classifications (1 of 4 stars). 4 submissions from 4 submitters: Uncertain significance (2); Benign (1); Likely benign (1). Last evaluated 2025-12-29.

Conditions:
Short-rib thoracic dysplasia 18 with polydactyly. Identifiers: MedGen C4693420, MONDO:0036483, OMIM 617866.
Retinitis pigmentosa 81 (RP81). Identifiers: MedGen C4693443, MONDO:0036482, OMIM 617871.
Cranioectodermal dysplasia 3 (CED3). Identifiers: Orphanet 1515, MedGen C3279807, MONDO:0013573, OMIM 614099.

Allele frequency attached by ClinVar (database versions not stated): gnomAD exomes 0.00004; gnomAD 0.00016 and 0.00017; TOPMed 0.00043; 1000 Genomes Project 30x 0.00047; 1000 Genomes Project 0.00060; ExAC 0.00002.
gnomAD v4.1: 52 of 1,614,110 alleles (0.0032%); highest among the groups gnomAD compares: Admixed American, 0.058%; no homozygotes.

Submissions (4):

Labcorp Genetics (formerly Invitae), Labcorp
Classification: Benign. Last evaluated: 2025-12-29. Review status: criteria provided, single submitter. Criteria: Invitae Variant Classification Sherloc (09022015). Collection method: clinical testing. Allele origin: germline.

Ambry Genetics
Classification: Uncertain significance. Last evaluated: 2025-12-11. Review status: criteria provided, single submitter. Criteria: Ambry Variant Classification Scheme 2023. Collection method: clinical testing. Allele origin: germline.

Fulgent Genetics
Classification: Likely benign for Cranioectodermal dysplasia 3; Short-rib thoracic dysplasia 18 with polydactyly; Retinitis pigmentosa 81. Last evaluated: 2024-03-05. Review status: criteria provided, single submitter. Criteria: ACMG Guidelines, 2015. Collection method: clinical testing. Allele origin: germline.

GeneDx
Classification: Uncertain significance. Last evaluated: 2023-12-11. Review status: criteria provided, single submitter. Criteria: GeneDx Variant Classification Process June 2021. Collection method: clinical testing. Allele origin: germline. Affected: yes.
Comment: In silico analysis supports that this missense variant has a deleterious effect on protein structure/function; Has not been previously published as pathogenic or benign to our knowledge

NM_001102564.3(IFT43):c.395A>T (p.Tyr132Phe)

Gene: IFT43 (intraflagellar transport 43; plus strand). Cytogenetic location: 14q24.3.
Variant type: single nucleotide variant.
Coding change: c.395A>T on transcript NM_001102564.3 (MANE Select); coding-DNA position 395, A replaced by T.
Protein change: p.Tyr132Phe; replaces tyrosine 132 with phenylalanine.
Molecular consequence: missense variant. On other transcripts: non-coding transcript variant (2).
Genome position (GRCh38, 1-based): chr14:76,082,643, A>T. VCF-style: chr14-76082643-A-T. GRCh37 (hg19) VCF-style: chr14-76548986-A-T.
Other names: c.410A>T, p.Tyr137Phe (NM_052873.3); short protein forms Y132F, Y137F.
Identifiers: ClinVar variation 849336 (VCV000849336.13), dbSNP rs201692401, ClinGen allele CA7280880.